The following is an entry in ClinVar:

NM_001367561.1(DOCK7):c.1089G>A (p.Met363Ile)

Gene: DOCK7 (dedicator of cytokinesis 7; minus strand). Cytogenetic location: 1p31.3.
Variant type: single nucleotide variant.
Coding change: c.1089G>A on transcript NM_001367561.1 (MANE Select); coding-DNA position 1089, G replaced by A.
Protein change: p.Met363Ile; replaces methionine 363 with isoleucine.
Molecular consequence: missense variant.
Genome position (GRCh38, 1-based): chr1:62,633,525, C>T on the plus strand (G>A on the coding strand, the complement: DOCK7 is on the minus strand). VCF-style: chr1-62633525-C-T. GRCh37 (hg19) VCF-style: chr1-63099196-C-T.
Other names: c.1089G>A, p.Met363Ile (NM_001271999.2, NM_001272000.2, NM_001272001.2 and 3 more transcripts); short protein forms M363I.
Identifiers: ClinVar variation 1047280 (VCV001047280.11), dbSNP rs756468154, ClinGen allele CA887038.
Genomic context (GRCh38, chr1:62,633,525, plus strand): 5'-AATGTGGCGGAAATGAGAAGCATAACATTCTACCTTGGTGGCATCTGCTTCTTTGAAAAT[C>T]ATATATGGTTCTGCACACTCTCCAATGTCTCCTTGCTGTAGGACTTTTTCTAGCTGTCAA-3'
Protein context (NP_001354490.1, residues 353-373): GDIGECAEPY[Met363Ile]IFKEADATKN

ClinVar aggregate classification (germline): Uncertain significance (1 of 4 stars; one submission).

Conditions:
Developmental and epileptic encephalopathy, 23 (DEE23). Also called: Epileptic encephalopathy, early infantile, 23. Identifiers: Orphanet 411986, MedGen C4014492, MONDO:0014371, OMIM 615859.

Allele frequency attached by ClinVar (database versions not stated): TOPMed below 0.00001; ExAC 0.00001; gnomAD 0.00001; gnomAD exomes 0.00001.
gnomAD v4.1: 4 of 1,612,886 alleles (0.00025%); highest among the groups gnomAD compares: Non-Finnish European, 0.00034%; no homozygotes.

Submission:

Labcorp Genetics (formerly Invitae), Labcorp
Classification: Uncertain significance for Developmental and epileptic encephalopathy, 23. Last evaluated: 2020-01-23. Review status: criteria provided, single submitter. Criteria: Invitae Variant Classification Sherloc (09022015). Collection method: clinical testing. Allele origin: germline.
Comment: In summary, the available evidence is currently insufficient to determine the role of this variant in disease. Therefore, it has been classified as a Variant of Uncertain Significance. Algorithms developed to predict the effect of missense changes on protein structure and function (SIFT, PolyPhen-2, Align-GVGD) all suggest that this variant is likely to be tolerated, but these predictions have not been confirmed by published functional studies and their clinical significance is uncertain. This variant has not been reported in the literature in individuals with DOCK7-related conditions. This variant is present in population databases (rs756468154, ExAC 0.001%). This sequence change replaces methionine with isoleucine at codon 363 of the DOCK7 protein (p.Met363Ile). The methionine residue is moderately conserved and there is a small physicochemical difference between methionine and isoleucine.